The following is an entry in ClinVar:

ClinVar aggregate classification (germline): Likely benign. Review status: criteria provided, multiple submitters, no conflicts (2 of 4 stars). 3 submissions from 3 submitters: Likely benign (3). Last evaluated 2026-03-01.

Conditions:
Hereditary cancer-predisposing syndrome. Also called: Hereditary Cancer Syndrome; Tumor predisposition; Hereditary neoplastic syndrome; Neoplastic Syndromes, Hereditary. Identifiers: Orphanet 140162, MedGen C0027672, MeSH D009386, MONDO:0015356.

gnomAD v4.1: 2 of 1,612,384 alleles (0.00012%); highest among the groups gnomAD compares: Non-Finnish European, 0.00017%; no homozygotes.

Submissions (3):

CeGaT Center for Human Genetics Tuebingen
Classification: Likely benign. Last evaluated: 2026-03-01. Review status: criteria provided, single submitter. Criteria: CeGaT Center For Human Genetics Tuebingen Variant Classification Criteria Version 2. Collection method: clinical testing. Allele origin: germline. Affected: yes. Observed: 1 variant allele.
Comment: MSH3: BP4, BP7

Labcorp Genetics (formerly Invitae), Labcorp
Classification: Likely benign. Last evaluated: 2025-06-03. Review status: criteria provided, single submitter. Criteria: Invitae Variant Classification Sherloc (09022015). Collection method: clinical testing. Allele origin: germline.

Ambry Genetics
Classification: Likely benign for Hereditary cancer-predisposing syndrome. Last evaluated: 2019-04-03. Review status: criteria provided, single submitter. Criteria: Ambry Variant Classification Scheme 2023. Collection method: clinical testing. Allele origin: germline.

NM_002439.5(MSH3):c.1749A>C (p.Pro583=)

Gene: MSH3 (mutS homolog 3; plus strand). Cytogenetic location: 5q14.1.
Variant type: single nucleotide variant.
Coding change: c.1749A>C on transcript NM_002439.5 (MANE Select); coding-DNA position 1749, A replaced by C.
Protein change: p.Pro583=; no amino-acid change (proline 583 retained).
Molecular consequence: synonymous variant.
Genome position (GRCh38, 1-based): chr5:80,744,601, A>C. VCF-style: chr5-80744601-A-C. GRCh37 (hg19) VCF-style: chr5-80040420-A-C.
Identifiers: ClinVar variation 760559 (VCV000760559.17), dbSNP rs1247138685, ClinGen allele CA445160324.